The following is an entry in ClinVar:

ClinVar aggregate classification (germline): Uncertain significance. Review status: criteria provided, multiple submitters, no conflicts (2 of 4 stars). 3 submissions from 3 submitters: Uncertain significance (3). Last evaluated 2025-05-13.

Conditions:
SOS2-related disorder. Also called: SOS2-related condition.
Noonan syndrome 9 (NS9). Identifiers: Orphanet 648, MedGen C4225282, MONDO:0014691, OMIM 616559.
Cardiovascular phenotype. Identifiers: MedGen CN230736.

Allele frequency attached by ClinVar (database versions not stated): gnomAD 0.00001; TOPMed 0.00002.
gnomAD v4.1: 32 of 1,613,672 alleles (0.002%); highest among the groups gnomAD compares: Non-Finnish European, 0.0026%; no homozygotes.

Submissions (3):

Labcorp Genetics (formerly Invitae), Labcorp
Classification: Uncertain significance for Noonan syndrome 9. Last evaluated: 2025-05-13. Review status: criteria provided, single submitter. Criteria: Invitae Variant Classification Sherloc (09022015). Collection method: clinical testing. Allele origin: germline.
Comment: This sequence change replaces proline, which is neutral and non-polar, with serine, which is neutral and polar, at codon 1093 of the SOS2 protein (p.Pro1093Ser). This variant is present in population databases (rs755233845, gnomAD 0.002%). This missense change has been observed in individual(s) with clinical features of Noonan syndrome (internal data). ClinVar contains an entry for this variant (Variation ID: 837962). Invitae Evidence Modeling of protein sequence and biophysical properties (such as structural, functional, and spatial information, amino acid conservation, physicochemical variation, residue mobility, and thermodynamic stability) indicates that this missense variant is not expected to disrupt SOS2 protein function with a negative predictive value of 95%. In summary, the available evidence is currently insufficient to determine the role of this variant in disease. Therefore, it has been classified as a Variant of Uncertain Significance.

PreventionGenetics, part of Exact Sciences
Classification: Uncertain significance for SOS2-related condition. Last evaluated: 2023-03-08. Review status: criteria provided, single submitter. Criteria: ACMG Guidelines, 2015. Collection method: clinical testing. Allele origin: germline.
Comment: The SOS2 c.3277C>T variant is predicted to result in the amino acid substitution p.Pro1093Ser. To our knowledge, this variant has not been reported in the literature. This variant is reported in 0.0018% of alleles in individuals of European (Non-Finnish) descent in gnomAD. At this time, the clinical significance of this variant is uncertain due to the absence of conclusive functional and genetic evidence.

Ambry Genetics
Classification: Uncertain significance for Cardiovascular phenotype. Last evaluated: 2022-12-16. Review status: criteria provided, single submitter. Criteria: Ambry Variant Classification Scheme 2023. Collection method: clinical testing. Allele origin: germline.
Comment: The p.P1093S variant (also known as c.3277C>T), located in coding exon 20 of the SOS2 gene, results from a C to T substitution at nucleotide position 3277. The proline at codon 1093 is replaced by serine, an amino acid with similar properties. This amino acid position is conserved. In addition, the in silico prediction for this alteration is inconclusive. Since supporting evidence is limited at this time, the clinical significance of this alteration remains unclear.

NM_006939.4(SOS2):c.3277C>T (p.Pro1093Ser)

Gene: SOS2 (SOS Ras/Rho guanine nucleotide exchange factor 2; minus strand). Cytogenetic location: 14q21.3.
Variant type: single nucleotide variant.
Coding change: c.3277C>T on transcript NM_006939.4 (MANE Select); coding-DNA position 3277, C replaced by T.
Protein change: p.Pro1093Ser; replaces proline 1093 with serine.
Molecular consequence: missense variant.
Genome position (GRCh38, 1-based): chr14:50,130,561, G>A on the plus strand (C>T on the coding strand, the complement: SOS2 is on the minus strand). VCF-style: chr14-50130561-G-A. GRCh37 (hg19) VCF-style: chr14-50597279-G-A.
Other names: c.3277C>T (NM_006939.3); short protein forms P1093S.
Identifiers: ClinVar variation 837962 (VCV000837962.11), dbSNP rs755233845, ClinGen allele CA7176848.
Genomic context (GRCh38, chr14:50,130,561, plus strand): 5'-CACAGGAGCTGTTGAGATCCACATCTAAAAATACACTAAGGTCTGAAGAAGCAGATACTG[G>A]TGGAGTAGATGGTGTATTTGGAGAGGTTGGTGCTGACACTGTTGATTCCAGCTCAGTTTC-3'
Protein context (NP_008870.2, residues 1083-1103): PTSPNTPSTP[Pro1093Ser]VSASSDLSVF